The following is an entry in ClinVar:

ClinVar aggregate classification (germline): Uncertain significance (1 of 4 stars; one submission).

Allele frequency attached by ClinVar (database versions not stated): gnomAD exomes 0.00002; TOPMed 0.00002.
gnomAD v4.1: 19 of 1,204,379 alleles (0.0016%); highest among the groups gnomAD compares: Non-Finnish European, 0.0018%; no homozygotes.

Submission:

Labcorp Genetics (formerly Invitae), Labcorp
Classification: Uncertain significance. Last evaluated: 2022-06-23. Review status: criteria provided, single submitter. Criteria: Invitae Variant Classification Sherloc (09022015). Collection method: clinical testing. Allele origin: germline.
Comment: This sequence change replaces tyrosine, which is neutral and polar, with cysteine, which is neutral and slightly polar, at codon 389 of the DRP2 protein (p.Tyr389Cys). In summary, the available evidence is currently insufficient to determine the role of this variant in disease. Therefore, it has been classified as a Variant of Uncertain Significance. Algorithms developed to predict the effect of missense changes on protein structure and function are either unavailable or do not agree on the potential impact of this missense change (SIFT: "Deleterious"; PolyPhen-2: "Benign"; Align-GVGD: "Class C65"). This variant has not been reported in the literature in individuals affected with DRP2-related conditions. The frequency data for this variant in the population databases is considered unreliable, as metrics indicate poor data quality at this position in the gnomAD database.

NM_001939.3(DRP2):c.1166A>G (p.Tyr389Cys)

Gene: DRP2 (dystrophin related protein 2; plus strand). Cytogenetic location: Xq22.1.
Variant type: single nucleotide variant.
Coding change: c.1166A>G on transcript NM_001939.3 (MANE Select); coding-DNA position 1166, A replaced by G.
Protein change: p.Tyr389Cys; replaces tyrosine 389 with cysteine.
Molecular consequence: missense variant.
Genome position (GRCh38, 1-based): chrX:101,245,438, A>G. VCF-style: chrX-101245438-A-G. GRCh37 (hg19) VCF-style: chrX-100500427-A-G.
Other names: c.932A>G, p.Tyr311Cys (NM_001171184.2); short protein forms Y389C, Y311C.
Identifiers: ClinVar variation 2009588 (VCV002009588.2), dbSNP rs1335532627, ClinGen allele CA413922705.
Genomic context (GRCh38, chrX:101,245,438, plus strand): 5'-TTGTTTGTAGCCACCAGGCTCAGACCACATGCTGGGACCATCCCAAGATGACAGAGTTAT[A>G]CCAAACCCTAGGTAAGAATGTGGGCTTCCTGTATAGGGTGGGCATATACACAGCTGCCTT-3'
Protein context (NP_001930.2, residues 379-399): CWDHPKMTEL[Tyr389Cys]QTLADLNNIK